The following is an entry in ClinVar:

ClinVar aggregate classification (germline): Uncertain significance. Review status: criteria provided, multiple submitters, no conflicts (2 of 4 stars). 2 submissions from 2 submitters: Uncertain significance (2). Last evaluated 2021-02-19.

Conditions:
Inborn genetic diseases. Identifiers: MedGen C0950123, MeSH D030342.
Developmental and epileptic encephalopathy, 12 (DEE12). Identifiers: MedGen C3150988, MONDO:0013389, OMIM 613722.

Allele frequency attached by ClinVar (database versions not stated): ExAC 0.00001.
gnomAD v4.1: 3 of 1,613,580 alleles (0.00019%); highest among the groups gnomAD compares: South Asian, 0.0022%; no homozygotes.

Submissions (2):

Ambry Genetics
Classification: Uncertain significance for Inborn genetic diseases. Last evaluated: 2021-02-19. Review status: criteria provided, single submitter. Criteria: Ambry Variant Classification Scheme 2023. Collection method: clinical testing. Allele origin: germline.
Comment: The c.3136G>T (p.A1046S) alteration is located in exon 28 (coding exon 28) of the PLCB1 gene. This alteration results from a G to T substitution at nucleotide position 3136, causing the alanine (A) at amino acid position 1046 to be replaced by a serine (S). The p.A1046S alteration is predicted to be tolerated by in silico analysis. Based on insufficient or conflicting evidence, the clinical significance of this alteration remains unclear.

Baylor Genetics
Classification: Uncertain significance for Developmental and epileptic encephalopathy, 12. Last evaluated: 2018-01-29. Review status: criteria provided, single submitter. Criteria: ACMG Guidelines, 2015. Collection method: clinical testing. Allele origin: unknown. Affected: yes.
Comment: This variant was determined to be of uncertain significance according to ACMG Guidelines, 2015 [PMID:25741868].

NM_015192.4(PLCB1):c.3136G>T (p.Ala1046Ser)

Gene: PLCB1 (phospholipase C beta 1; plus strand). Cytogenetic location: 20p12.3.
Variant type: single nucleotide variant.
Coding change: c.3136G>T on transcript NM_015192.4 (MANE Select); coding-DNA position 3136, G replaced by T.
Protein change: p.Ala1046Ser; replaces alanine 1046 with serine.
Molecular consequence: missense variant.
Genome position (GRCh38, 1-based): chr20:8,788,473, G>T. VCF-style: chr20-8788473-G-T. GRCh37 (hg19) VCF-style: chr20-8769120-G-T.
Other names: c.3136G>T, p.Ala1046Ser (NM_182734.3); short protein forms A1046S.
Identifiers: ClinVar variation 1031880 (VCV001031880.4), dbSNP rs778097231, ClinGen allele CA9760472.